The following is an entry in ClinVar:

ClinVar aggregate classification (germline): Uncertain significance (1 of 4 stars; one submission).

Conditions:
PSD3-related disorder. Also called: PSD3-related condition.

Submission:

PreventionGenetics, part of Exact Sciences
Classification: Uncertain significance for PSD3-related condition. Last evaluated: 2023-01-13. Review status: criteria provided, single submitter. Criteria: ACMG Guidelines, 2015. Collection method: clinical testing. Allele origin: germline.
Comment: The PSD3 c.2387A>G variant is predicted to result in the amino acid substitution p.His796Arg. To our knowledge, this variant has not been reported in the literature or in a large population database, indicating this variant is rare. At this time, the clinical significance of this variant is uncertain due to the absence of conclusive functional and genetic evidence.

NM_015310.4(PSD3):c.2387A>G (p.His796Arg)

Gene: PSD3 (pleckstrin and Sec7 domain containing 3; minus strand). Cytogenetic location: 8p22.
Variant type: single nucleotide variant.
Coding change: c.2387A>G on transcript NM_015310.4 (MANE Select); coding-DNA position 2387, A replaced by G.
Protein change: p.His796Arg; replaces histidine 796 with arginine.
Molecular consequence: missense variant. On other transcripts: 5 prime UTR variant (1).
Genome position (GRCh38, 1-based): chr8:18,632,636, T>C on the plus strand (A>G on the coding strand, the complement: PSD3 is on the minus strand). VCF-style: chr8-18632636-T-C. GRCh37 (hg19) VCF-style: chr8-18490146-T-C.
Other names: c.2288A>G, p.His763Arg (NM_001362819.2); c.2690A>G, p.His897Arg (NM_001412865.1); c.2771A>G, p.His924Arg (NM_001412866.1); c.2387A>G, p.His796Arg (NM_001412870.1); c.2285A>G, p.His762Arg (NM_001412871.1, NM_001412880.1); c.2195A>G, p.His732Arg (NM_001412872.1); c.2297A>G, p.His766Arg (NM_001412873.1); c.2192A>G, p.His731Arg (NM_001412874.1, NM_001412882.1, NM_001412883.1); and 8 more; short protein forms H112R, H125R, H237R, H260R, H262R, H731R, H732R, H762R.
Identifiers: ClinVar variation 2629794 (VCV002629794.1), dbSNP rs2536629375, ClinGen allele CA370449664.
Genomic context (GRCh38, chr8:18,632,636, plus strand): 5'-ATAAATGAAATAGAAAATGACAACGCATGATACTTACTCTTCTTTCCATCCATATCTGCA[T>C]GAATTTTCCGAGCCAAGAATCCACTTTTGTACACAGCAGCATTTGGATCATGAGGAATGT-3'
Protein context (NP_056125.3, residues 786-806): YKSGFLARKI[His796Arg]ADMDGKKTPR